The following is an entry in ClinVar:

ClinVar aggregate classification (germline): Pathogenic (1 of 4 stars; one submission).

Conditions:
Developmental and epileptic encephalopathy, 53. Also called: Epileptic encephalopathy, early infantile, 53. Identifiers: MedGen C4479313, MONDO:0033362, OMIM 617389.
Early-onset Parkinson disease 20. Also called: PARKINSON DISEASE 20, AUTOSOMAL RECESSIVE EARLY-ONSET. Identifiers: Orphanet 391411, MedGen C3809824, MONDO:0014233, OMIM 615530.

Submission:

Labcorp Genetics (formerly Invitae), Labcorp
Classification: Pathogenic for Developmental and epileptic encephalopathy, 53; Early-onset Parkinson disease 20. Last evaluated: 2020-12-14. Review status: criteria provided, single submitter. Criteria: Invitae Variant Classification Sherloc (09022015). Collection method: clinical testing. Allele origin: germline.
Comment: For these reasons, this variant has been classified as Pathogenic. This variant has not been reported in the literature in individuals with SYNJ1-related conditions. This variant is not present in population databases (ExAC no frequency). This sequence change creates a premature translational stop signal (p.Pro605Serfs*2) in the SYNJ1 gene. It is expected to result in an absent or disrupted protein product. Loss-of-function variants in SYNJ1 are known to be pathogenic (PMID: 25316601, 27435091).

Literature cited by the submitters: PubMed 25316601; PubMed 27435091.

NM_203446.3(SYNJ1):c.1696_1699del (p.Pro566fs)

Gene: SYNJ1 (synaptojanin 1; minus strand). Cytogenetic location: 21q22.11.
Variant type: Deletion.
Coding change: c.1696_1699del on transcript NM_203446.3 (MANE Select); coding-DNA positions 1696 to 1699, 4 bases deleted (CCCA; older notation c.1696_1699delCCCA).
Protein change: p.Pro566fs; shifts the reading frame from proline 566.
Molecular consequence: frameshift variant.
Genome position (GRCh38, 1-based): chr21:32,673,367-32,673,370, TGGG deleted on the plus strand (CCCA on the coding strand, the reverse complement: SYNJ1 is on the minus strand); deleting any 4 consecutive bases within chr21:32,673,367-32,673,372 gives the same sequence; the c. name uses the placement nearest the transcript's 3' end. VCF-style (leftmost placement, unchanged base first): chr21-32673366-TTGGG-T. GRCh37 (hg19) VCF-style: chr21-34045676-TTGGG-T.
Other names: c.1694_1697delCACC, p.Pro566Serfs (NM_001160302.2); c.1681_1684del, p.Pro561fs (NM_001160306.2); c.1811_1814delCACC, p.Pro605Serfs (NM_003895.4); short protein forms P561fs, P566fs, P605fs.
Identifiers: ClinVar variation 1457746 (VCV001457746.6), dbSNP rs2145981153, ClinGen allele CA2573157394.